The following is an entry in ClinVar:

NM_007078.3(LDB3):c.713C>A (p.Ala238Asp)

Gene: LDB3 (LIM domain binding 3; plus strand). Cytogenetic location: 10q23.2.
Variant type: single nucleotide variant.
Coding change: c.713C>A on transcript NM_007078.3 (MANE Select); coding-DNA position 713, C replaced by A.
Protein change: p.Ala238Asp; replaces alanine 238 with aspartic acid.
Molecular consequence: missense variant.
Genome position (GRCh38, 1-based): chr10:86,691,919, C>A. VCF-style: chr10-86691919-C-A. GRCh37 (hg19) VCF-style: chr10-88451676-C-A.
Other names: c.572C>A, p.Ala191Asp (NM_001080114.2, NM_001080116.1, NM_001368066.1 and 2 more transcripts); c.713C>A, p.Ala238Asp (NM_001080115.2, NM_001368063.1, NM_001368064.1 and 1 more transcripts); c.917C>A, p.Ala306Asp (NM_001171610.2, NM_001171611.2); short protein forms A238D, A306D, A191D.
Identifiers: ClinVar variation 1482488 (VCV001482488.14), dbSNP rs369398522, ClinGen allele CA5584879.

ClinVar aggregate classification (germline): Uncertain significance. Review status: criteria provided, multiple submitters, no conflicts (2 of 4 stars). 3 submissions from 3 submitters: Uncertain significance (3). Last evaluated 2025-11-13.

Conditions:
Myofibrillar myopathy 4. Also called: Zaspopathy (type). Identifiers: Orphanet 98912, MedGen C4721886, MONDO:0012277, OMIM 609452.
Cardiovascular phenotype. Identifiers: MedGen CN230736.

Allele frequency attached by ClinVar (database versions not stated): gnomAD exomes 0.00001; ExAC 0.00002; TOPMed 0.00002; gnomAD 0.00006; ESP Exome Variant Server 0.00008.
gnomAD v4.1: 13 of 1,614,042 alleles (0.00081%); highest among the groups gnomAD compares: African/African-American, 0.015%; no homozygotes.

Submissions (3):

Labcorp Genetics (formerly Invitae), Labcorp
Classification: Uncertain significance for Myofibrillar myopathy 4. Last evaluated: 2025-11-13. Review status: criteria provided, single submitter. Criteria: Invitae Variant Classification Sherloc (09022015). Collection method: clinical testing. Allele origin: germline.
Comment: This sequence change replaces alanine, which is neutral and non-polar, with aspartic acid, which is acidic and polar, at codon 191 of the LDB3 protein (p.Ala191Asp). This variant is present in population databases (rs369398522, gnomAD 0.008%). This variant has not been reported in the literature in individuals affected with LDB3-related conditions. ClinVar contains an entry for this variant (Variation ID: 1482488). An algorithm developed to predict the effect of missense changes on protein structure and function (PolyPhen-2) suggests that this variant is likely to be tolerated. In summary, the available evidence is currently insufficient to determine the role of this variant in disease. Therefore, it has been classified as a Variant of Uncertain Significance.

Ambry Genetics
Classification: Uncertain significance for Cardiovascular phenotype. Last evaluated: 2025-04-03. Review status: criteria provided, single submitter. Criteria: Ambry Variant Classification Scheme 2023. Collection method: clinical testing. Allele origin: germline.
Comment: The p.A238D variant (also known as c.713C>A), located in coding exon 5 of the LDB3 gene, results from a C to A substitution at nucleotide position 713. The alanine at codon 238 is replaced by aspartic acid, an amino acid with dissimilar properties. This amino acid position is poorly conserved in available vertebrate species. In addition, this alteration is predicted to be tolerated by in silico analysis. Based on the available evidence, the clinical significance of this variant remains unclear.

Revvity Omics, Revvity
Classification: Uncertain significance. Last evaluated: 2019-06-25. Review status: criteria provided, single submitter. Criteria: ACMG Guidelines, 2015. Collection method: clinical testing. Allele origin: germline.